The following is an entry in ClinVar:

NM_004612.4(TGFBR1):c.575-1G>A

Gene: TGFBR1 (transforming growth factor beta receptor 1; plus strand). Cytogenetic location: 9q22.33.
Variant type: single nucleotide variant.
Coding change: c.575-1G>A on transcript NM_004612.4 (MANE Select); the canonical splice acceptor site of the intron before coding-DNA position 575, G replaced by A.
Molecular consequence: splice acceptor variant. On other transcripts: intron variant (2).
Genome position (GRCh38, 1-based): chr9:99,137,858, G>A. VCF-style: chr9-99137858-G-A. GRCh37 (hg19) VCF-style: chr9-101900140-G-A.
Other names: c.587-1G>A (NM_001407416.1, NM_001306210.2); c.575-1G>A (NM_001407417.1); c.575-4678G>A (NM_001407435.1); c.344-1G>A (NM_001130916.3); c.329-1G>A (NM_001407436.1); c.98-1G>A (NM_001407438.1); c.98-4678G>A (NM_001407437.1); c.368-1G>A (NM_001407430.1, NM_001407427.1, NM_001407423.1 and 8 more transcripts); and 1 more.
Identifiers: ClinVar variation 4734089 (VCV004734089.1).

ClinVar aggregate classification (germline): Likely pathogenic (1 of 4 stars; one submission).

Conditions:
Familial thoracic aortic aneurysm and aortic dissection (TAAD). Also called: Thoracic aortic aneurysms and dissections. Identifiers: Orphanet 91387, MedGen C4707243, MONDO:0019625.

Submission:

Labcorp Genetics (formerly Invitae), Labcorp
Classification: Likely pathogenic for Familial thoracic aortic aneurysm and aortic dissection. Last evaluated: 2026-01-28. Review status: criteria provided, single submitter. Criteria: Invitae Variant Classification Sherloc (09022015). Collection method: clinical testing. Allele origin: germline.
Comment: This sequence change affects an acceptor splice site in intron 3 of the TGFBR1 gene. It is expected to disrupt RNA splicing. Variants that disrupt the donor or acceptor splice site typically lead to a loss of protein function (PMID: 16199547), and loss-of-function variants in TGFBR1 are known to be pathogenic (PMID: 21358634). This variant is not present in population databases (gnomAD no frequency). This variant has not been reported in the literature in individuals affected with TGFBR1-related conditions. Algorithms developed to predict the effect of sequence changes on RNA splicing suggest that this variant may disrupt the consensus splice site. In summary, the currently available evidence indicates that the variant is pathogenic, but additional data are needed to prove that conclusively. Therefore, this variant has been classified as Likely Pathogenic.

Literature cited by the submitters: PubMed 16199547; PubMed 21358634.